The following is an entry in ClinVar:

ClinVar aggregate classification (germline): Likely benign. Review status: criteria provided, multiple submitters, no conflicts (2 of 4 stars). 2 submissions from 2 submitters: Likely benign (2). Last evaluated 2026-02-02.

Conditions:
Neurodevelopmental disorder with or without hyperkinetic movements and seizures, autosomal dominant. Also called: Intellectual disability, autosomal dominant 8. Identifiers: MedGen C3280282, MONDO:0013655, OMIM 614254.

Allele frequency attached by ClinVar (database versions not stated): gnomAD exomes below 0.00001; ExAC 0.00004.
gnomAD v4.1: 6 of 1,566,150 alleles (0.00038%); highest among the groups gnomAD compares: South Asian, 0.0012%; no homozygotes.

Submissions (2):

Labcorp Genetics (formerly Invitae), Labcorp
Classification: Likely benign for Neurodevelopmental disorder with or without hyperkinetic movements and seizures, autosomal dominant. Last evaluated: 2026-02-02. Review status: criteria provided, single submitter. Criteria: Invitae Variant Classification Sherloc (09022015). Collection method: clinical testing. Allele origin: germline.

GeneDx
Classification: Likely benign. Last evaluated: 2016-09-08. Review status: criteria provided, single submitter. Criteria: GeneDx Variant Classification (06012015). Collection method: clinical testing. Allele origin: germline. Affected: yes.
Comment: This variant is considered likely benign or benign based on one or more of the following criteria: it is a conservative change, it occurs at a poorly conserved position in the protein, it is predicted to be benign by multiple in silico algorithms, and/or has population frequency not consistent with disease.

NM_007327.4(GRIN1):c.1497T>C (p.Asn499=)

Gene: GRIN1 (glutamate ionotropic receptor NMDA type subunit 1; plus strand). Cytogenetic location: 9q34.3.
Variant type: single nucleotide variant.
Coding change: c.1497T>C on transcript NM_007327.4 (MANE Select); coding-DNA position 1497, T replaced by C.
Protein change: p.Asn499=; no amino-acid change (asparagine 499 retained).
Molecular consequence: synonymous variant.
Genome position (GRCh38, 1-based): chr9:137,161,953, T>C. VCF-style: chr9-137161953-T-C. GRCh37 (hg19) VCF-style: chr9-140056405-T-C.
Other names: c.1497T>C, p.Asn499= (NM_000832.7, NM_021569.4); c.1560T>C, p.Asn520= (NM_001185090.2, NM_001185091.2).
Identifiers: ClinVar variation 389208 (VCV000389208.6), dbSNP rs748264026, ClinGen allele CA5360958.